The following is an entry in ClinVar:

NM_001025356.3(ANO6):c.2211_2214dup (p.Asn739fs)

Gene: ANO6 (anoctamin 6; plus strand). Cytogenetic location: 12q12.
Variant type: Duplication.
Coding change: c.2211_2214dup on transcript NM_001025356.3 (MANE Select); coding-DNA positions 2211 to 2214, 4 bases duplicated (GACC; older notation c.2211_2214dupGACC).
Protein change: p.Asn739fs; shifts the reading frame from asparagine 739.
Molecular consequence: frameshift variant.
Genome position (GRCh38, 1-based): chr12:45,416,898-45,416,901, GACC duplicated. VCF-style (leftmost placement, unchanged base first): chr12-45416897-T-TGACC. GRCh37 (hg19) VCF-style: chr12-45810680-T-TGACC.
Other names: c.2157_2160dup, p.Asn721fs (NM_001142678.2); c.2211_2214dup, p.Asn739fs (NM_001142679.2); c.2274_2277dup, p.Asn760fs (NM_001204803.2); c.2178_2181dup, p.Asn728fs (NM_001410973.1); short protein forms N721fs, N728fs, N760fs, N739fs.
Identifiers: ClinVar variation 3722882 (VCV003722882.2).
Genomic context (GRCh38, chr12:45,416,897, plus strand): 5'-AAGCCCAAGACATTGGAGCATGGCAGCCCATCATGCAAGGAATAGCAATTCTGGCTGTGG[T>TGACC]GACCAATGTGAGTAGACCTAAGCTTTACAGAGTAAAGACCTTGAAGATGCATTAGATTTG-3'

ClinVar aggregate classification (germline): Pathogenic (1 of 4 stars; one submission).

Submission:

Labcorp Genetics (formerly Invitae), Labcorp
Classification: Pathogenic. Last evaluated: 2024-10-13. Review status: criteria provided, single submitter. Criteria: Invitae Variant Classification Sherloc (09022015). Collection method: clinical testing. Allele origin: germline.
Comment: This sequence change creates a premature translational stop signal (p.Asn739Aspfs*62) in the ANO6 gene. It is expected to result in an absent or disrupted protein product. Loss-of-function variants in ANO6 are known to be pathogenic (PMID: 21107324, 21511967, 27879994). This variant is not present in population databases (gnomAD no frequency). This variant has not been reported in the literature in individuals affected with ANO6-related conditions. For these reasons, this variant has been classified as Pathogenic.

Literature cited by the submitters: PubMed 21107324; PubMed 21511967; PubMed 27879994.